The following is an entry in ClinVar:

ClinVar aggregate classification (germline): Likely pathogenic (0 of 4 stars; one submission).

Conditions:
Macrocephaly, acquired, with impaired intellectual development. Also called: MACROCEPHALY, ACQUIRED, WITH MENTAL RETARDATION. Identifiers: MedGen C4748993, MONDO:0032658, OMIM 618286.

Submission:

Solve-RD Consortium
Classification: Likely pathogenic for Macrocephaly, acquired, with impaired intellectual development. Last evaluated: 2024-06-01. Review status: no assertion criteria provided. Collection method: provider interpretation. Allele origin: de novo. Affected: yes.
Comment: This CNV was confirmed by the submitting clinician to impact a gene that corresponds with the phenotype of the affected individual, and thus deemed to be causative for their condition.

Literature cited by the submitters: PubMed 39825153.

GRCh37/hg19 9p23-22.3(chr9:13927869-15424029)x1

Genes: CER1 (cerberus 1, DAN family BMP antagonist; minus strand), FREM1 (FRAS1 related extracellular matrix 1; minus strand), NFIB (nuclear factor I B; minus strand), SNAPC3 (small nuclear RNA activating complex polypeptide 3; plus strand), TTC39B (tetratricopeptide repeat domain 39B; minus strand) and 1 more. Cytogenetic location: 9p23-22.3.
Variant type: copy number loss.
Change: copy number 1 (one copy instead of two) of chr9:13,927,869-15,424,029 (1.50 Mb, GRCh37 coordinates, 1-based), cytogenetic band 9p23-22.3.
Identifiers: ClinVar variation 3338458 (VCV003338458.1).